The following is an entry in ClinVar:

NM_001040616.3(LINS1):c.1727_1736del (p.Arg576fs)

Gene: LINS1 (lines homolog 1; minus strand). Cytogenetic location: 15q26.3.
Variant type: Deletion.
Coding change: c.1727_1736del on transcript NM_001040616.3 (MANE Select); coding-DNA positions 1727 to 1736, 10 bases deleted (GTTTGACTGC; older notation c.1727_1736delGTTTGACTGC).
Protein change: p.Arg576fs; shifts the reading frame from arginine 576.
Molecular consequence: frameshift variant. On other transcripts: non-coding transcript variant (3).
Genome position (GRCh38, 1-based): chr15:100,569,776-100,569,785, GCAGTCAAAC deleted on the plus strand (GTTTGACTGC on the coding strand, the reverse complement: LINS1 is on the minus strand); deleting any 10 consecutive bases within chr15:100,569,776-100,569,786 gives the same sequence; the c. name uses the placement nearest the transcript's 3' end. VCF-style (leftmost placement, unchanged base first): chr15-100569775-AGCAGTCAAAC-A. GRCh37 (hg19) VCF-style: chr15-101109980-AGCAGTCAAAC-A.
Other names: c.980_989del, p.Arg327fs (NM_001352507.2); c.1574_1583del, p.Arg525fs (NM_001352508.2); short protein forms R327fs, R525fs, R576fs.
Identifiers: ClinVar variation 1684037 (VCV001684037.2), dbSNP rs2141261531, ClinGen allele CA2573150641.

ClinVar aggregate classification (germline): Likely pathogenic (1 of 4 stars; one submission).

Conditions:
Intellectual developmental disorder, autosomal recessive 27. Also called: Intellectual disability, autosomal recessive 27; Mental retardation, autosomal recessive 27. Identifiers: Orphanet 88616, MedGen C3280538, MONDO:0013702, OMIM 614340.

Submission:

Laboratorio de Genética Hospitales Universitarios Virgen de las Nieves y Clínico San Cecilio (Granada, Spain), Hospitales Universitarios Virgen de las Nieves y Clínico San Cecilio (Granada, Spain)
Classification: Likely pathogenic for Intellectual developmental disorder, autosomal recessive 27. Last evaluated: 2022-05-12. Review status: criteria provided, single submitter. Criteria: ACMG Guidelines, 2015. Collection method: clinical testing. Allele origin: inherited. Inheritance: Autosomal recessive inheritance. Affected: yes. Observed: 2 variant alleles, 2 homozygotes. Clinical features observed: Motor delay (HP:0001270), Generalized hypotonia (HP:0001290), Delayed speech and language development (HP:0000750), Abnormal facial shape (HP:0001999), Scoliosis HP:0002650, Abnormality of bone mineral density HP:0004348, Femoral bowing HP:0002980.
Comment: The variant detected in LINS1 consists is a deletion of several amino acids from nucleotide 1727, this change generates a premature stop codon of the protein at position 576, and a loss of function of the protein is assumed. The ACMG classification criteria of the variant are the following: variants of this type are a common mechanism of pathogenicity for this gene (loss of function, PVS1), it has not been described in a healthy population (PM2) and in silico predictors predict a deleterious effect for the same (PP3), for that is classified as probably pathogenic.